The following is an entry in ClinVar:

NM_014334.4(FRRS1L):c.533T>C (p.Val178Ala)

Gene: FRRS1L (ferric chelate reductase 1 like; minus strand). Cytogenetic location: 9q31.3.
Variant type: single nucleotide variant.
Coding change: c.533T>C on transcript NM_014334.4 (MANE Select); coding-DNA position 533, T replaced by C.
Protein change: p.Val178Ala; replaces valine 178 with alanine.
Molecular consequence: missense variant.
Genome position (GRCh38, 1-based): chr9:109,141,519, A>G on the plus strand (T>C on the coding strand, the complement: FRRS1L is on the minus strand). VCF-style: chr9-109141519-A-G. GRCh37 (hg19) VCF-style: chr9-111903799-A-G.
Other names: p.Val229Ala; c.686T>C (NM_014334.3); short protein forms V178A.
Identifiers: ClinVar variation 476307 (VCV000476307.12), dbSNP rs148986846, ClinGen allele CA5177379.

ClinVar aggregate classification (germline): Conflicting classifications of pathogenicity. Review status: criteria provided, conflicting classifications (1 of 4 stars). 4 submissions from 4 submitters: Uncertain significance (3); Likely benign (1). Last evaluated 2025-10-07.

Conditions:
Developmental and epileptic encephalopathy, 37 (DEE37). Also called: Epileptic encephalopathy, early infantile, 37. Identifiers: MedGen C4310770, MONDO:0014859, OMIM 616981.

Allele frequency attached by ClinVar (database versions not stated): 1000 Genomes Project 30x 0.00031; gnomAD 0.00048 and 0.00047; TOPMed 0.00045; gnomAD exomes 0.00061; 1000 Genomes Project 0.00020; ESP Exome Variant Server 0.00023; ExAC 0.00073.
gnomAD v4.1: 1,707 of 1,614,132 alleles (0.11%); highest among the groups gnomAD compares: South Asian, 0.18%; 3 homozygotes.

Submissions (4):

Mayo Clinic Laboratories, Mayo Clinic
Classification: Uncertain significance. Last evaluated: 2025-10-07. Review status: criteria provided, single submitter. Criteria: ACMG Guidelines, 2015. Collection method: clinical testing. Allele origin: germline. Observed: 2 variant alleles.
Comment: BS1

Labcorp Genetics (formerly Invitae), Labcorp
Classification: Uncertain significance for Developmental and epileptic encephalopathy, 37. Last evaluated: 2022-10-17. Review status: criteria provided, single submitter. Criteria: Invitae Variant Classification Sherloc (09022015). Collection method: clinical testing. Allele origin: germline.
Comment: This sequence change replaces valine, which is neutral and non-polar, with alanine, which is neutral and non-polar, at codon 229 of the FRRS1L protein (p.Val229Ala). This variant is present in population databases (rs148986846, gnomAD 0.1%), including at least one homozygous and/or hemizygous individual. This missense change has been observed in individual(s) with ataxia (PMID: 27236917). ClinVar contains an entry for this variant (Variation ID: 476307). Algorithms developed to predict the effect of missense changes on protein structure and function are either unavailable or do not agree on the potential impact of this missense change (SIFT: "Tolerated"; PolyPhen-2: "Possibly Damaging"; Align-GVGD: "Class C0"). In summary, the available evidence is currently insufficient to determine the role of this variant in disease. Therefore, it has been classified as a Variant of Uncertain Significance.

Center for Genomics, Ann and Robert H. Lurie Children's Hospital of Chicago
Classification: Uncertain significance for Developmental and epileptic encephalopathy, 37. Last evaluated: 2022-01-12. Review status: criteria provided, single submitter. Criteria: ACMG Guidelines, 2015. Collection method: clinical testing. Allele origin: germline.
Comment: This variant has been reported in the literature in 1 individual with ataxia (Madeo 2016 PMID:27236917). This variant is present in 0.08% (57/68040) of European alleles in the Genome Aggregation Database. This variant is present in ClinVar (Variation ID:476307). Evolutionary conservation and computational predictive tools suggest that this variant may impact the protein. In summary, data on this variant is insufficient for disease classification. Therefore, the clinical significance of this variant is uncertain.

GeneDx
Classification: Likely benign. Last evaluated: 2020-03-10. Review status: criteria provided, single submitter. Criteria: GeneDx Variant Classification Process June 2021. Collection method: clinical testing. Allele origin: germline. Affected: yes.
Comment: This variant is associated with the following publications: (PMID: 27236917)

Literature cited by the submitters: PubMed 27236917 (cited by Mayo Clinic Laboratories, Mayo Clinic and Labcorp Genetics (formerly Invitae), Labcorp).